The following is an entry in ClinVar:

NM_006206.6(PDGFRA):c.470C>T (p.Thr157Ile)

Gene: PDGFRA (platelet derived growth factor receptor alpha; plus strand). Cytogenetic location: 4q12.
Variant type: single nucleotide variant.
Coding change: c.470C>T on transcript NM_006206.6 (MANE Select); coding-DNA position 470, C replaced by T.
Protein change: p.Thr157Ile; replaces threonine 157 with isoleucine.
Molecular consequence: missense variant.
Genome position (GRCh38, 1-based): chr4:54,263,769, C>T. VCF-style: chr4-54263769-C-T. GRCh37 (hg19) VCF-style: chr4-55129936-C-T.
Other names: c.470C>T, p.Thr157Ile (NM_001347827.2, NM_001347829.2); c.545C>T, p.Thr182Ile (NM_001347828.2); c.509C>T, p.Thr170Ile (NM_001347830.2); short protein forms T157I, T182I, T170I.
Identifiers: ClinVar variation 459102 (VCV000459102.9), dbSNP rs1553902717, ClinGen allele CA356889894.

ClinVar aggregate classification (germline): Uncertain significance (1 of 4 stars; one submission).

Conditions:
Gastrointestinal stromal tumor. Also called: Gastrointestinal stroma tumor; Gastrointestinal stromal tumor, somatic. Identifiers: Orphanet 44890, MedGen C0238198, MeSH D046152, MONDO:0011719, OMIM 606764, HP:0100723.

Submission:

Labcorp Genetics (formerly Invitae), Labcorp
Classification: Uncertain significance for Gastrointestinal stromal tumor. Last evaluated: 2024-08-20. Review status: criteria provided, single submitter. Criteria: Invitae Variant Classification Sherloc (09022015). Collection method: clinical testing. Allele origin: germline.
Comment: This sequence change replaces threonine, which is neutral and polar, with isoleucine, which is neutral and non-polar, at codon 157 of the PDGFRA protein (p.Thr157Ile). This variant is not present in population databases (gnomAD no frequency). This variant has not been reported in the literature in individuals affected with PDGFRA-related conditions. ClinVar contains an entry for this variant (Variation ID: 459102). Invitae Evidence Modeling of protein sequence and biophysical properties (such as structural, functional, and spatial information, amino acid conservation, physicochemical variation, residue mobility, and thermodynamic stability) indicates that this missense variant is not expected to disrupt PDGFRA protein function with a negative predictive value of 80%. In summary, the available evidence is currently insufficient to determine the role of this variant in disease. Therefore, it has been classified as a Variant of Uncertain Significance.